The following is an entry in ClinVar:

NM_002296.4(LBR):c.1820C>A (p.Pro607His)

Gene: LBR (lamin B receptor; minus strand). Cytogenetic location: 1q42.12.
Variant type: single nucleotide variant.
Coding change: c.1820C>A on transcript NM_002296.4 (MANE Select); coding-DNA position 1820, C replaced by A.
Protein change: p.Pro607His; replaces proline 607 with histidine.
Molecular consequence: missense variant.
Genome position (GRCh38, 1-based): chr1:225,403,331, G>T on the plus strand (C>A on the coding strand, the complement: LBR is on the minus strand). VCF-style: chr1-225403331-G-T. GRCh37 (hg19) VCF-style: chr1-225591033-G-T.
Other names: c.1820C>A, p.Pro607His (NM_194442.3); c.1820C>A (NM_002296.3); short protein forms P607H.
Identifiers: ClinVar variation 2081506 (VCV002081506.5), dbSNP rs779151785, ClinGen allele CA1417023.

ClinVar aggregate classification (germline): Uncertain significance. Review status: criteria provided, multiple submitters, no conflicts (2 of 4 stars). 2 submissions from 2 submitters: Uncertain significance (2). Last evaluated 2025-12-20.

Conditions:
Inborn genetic diseases. Identifiers: MedGen C0950123, MeSH D030342.

Allele frequency attached by ClinVar (database versions not stated): gnomAD 0.00001; ExAC 0.00002; gnomAD exomes 0.00002.
gnomAD v4.1: 29 of 1,613,436 alleles (0.0018%); highest among the groups gnomAD compares: Admixed American, 0.005%; no homozygotes.

Submissions (2):

Labcorp Genetics (formerly Invitae), Labcorp
Classification: Uncertain significance. Last evaluated: 2025-12-20. Review status: criteria provided, single submitter. Criteria: Invitae Variant Classification Sherloc (09022015). Collection method: clinical testing. Allele origin: germline.
Comment: This sequence change replaces proline, which is neutral and non-polar, with histidine, which is basic and polar, at codon 607 of the LBR protein (p.Pro607His). This variant is present in population databases (rs779151785, gnomAD 0.006%). This variant has not been reported in the literature in individuals affected with LBR-related conditions. ClinVar contains an entry for this variant (Variation ID: 2081506). Invitae Evidence Modeling of protein sequence and biophysical properties (such as structural, functional, and spatial information, amino acid conservation, physicochemical variation, residue mobility, and thermodynamic stability) indicates that this missense variant is not expected to disrupt LBR protein function with a negative predictive value of 80%. In summary, the available evidence is currently insufficient to determine the role of this variant in disease. Therefore, it has been classified as a Variant of Uncertain Significance.

Ambry Genetics
Classification: Uncertain significance for Inborn genetic diseases. Last evaluated: 2025-07-12. Review status: criteria provided, single submitter. Criteria: Ambry Variant Classification Scheme 2023. Collection method: clinical testing. Allele origin: germline.